The following is an entry in ClinVar:

ClinVar aggregate classification (germline): Uncertain significance (1 of 4 stars; one submission).

Conditions:
Gamma-aminobutyric acid transaminase deficiency (GABATD). Also called: GABA aminotransaminase deficiency; GABA transaminase deficiency; Gamma aminobutyrate transaminase deficiency; 4 alpha aminobutyrate transaminase deficiency. Identifiers: Orphanet 2066, MedGen C0342708, MONDO:0013166, OMIM 613163.

Submission:

Labcorp Genetics (formerly Invitae), Labcorp
Classification: Uncertain significance for Gamma-aminobutyric acid transaminase deficiency. Last evaluated: 2023-07-07. Review status: criteria provided, single submitter. Criteria: Invitae Variant Classification Sherloc (09022015). Collection method: clinical testing. Allele origin: germline.
Comment: In summary, the available evidence is currently insufficient to determine the role of this variant in disease. Therefore, it has been classified as a Variant of Uncertain Significance. This variant has not been reported in the literature in individuals affected with ABAT-related conditions. This variant results in a copy number gain of the genomic region encompassing exon(s) 2-5 of the ABAT gene. This region includes the initiator codon of the gene. This copy number gain extends beyond the assayed region for this gene and therefore may encompass additional genes. As the precise location of this event is unknown, it may be in tandem or it may be located elsewhere in the genome.

NC_000016.9:g.(?_8829597)_(8844416_?)dup

Gene: ABAT (4-aminobutyrate aminotransferase; plus strand). Cytogenetic location: 16p13.2.
Variant type: Duplication.
Identifiers: ClinVar variation 1412232 (VCV001412232.6).